The following is an entry in ClinVar:

ClinVar aggregate classification (germline): Uncertain significance (1 of 4 stars; one submission).

Conditions:
Hereditary breast ovarian cancer syndrome. Also called: Hereditary breast and ovarian cancer syndrome; Hereditary breast and/or ovarian cancer syndrome; Hereditary breast and ovarian cancer; Breast and ovarian cancer; Hereditary breast and ovarian cancer syndrome (HBOC); BRCA1- and BRCA2-Associated Hereditary Breast and Ovarian Cancer. Identifiers: Orphanet 145, MedGen C0677776, MeSH D061325, MONDO:0003582. Disease mechanism: loss of function.

Submission:

Labcorp Genetics (formerly Invitae), Labcorp
Classification: Uncertain significance for Hereditary breast ovarian cancer syndrome. Last evaluated: 2021-09-29. Review status: criteria provided, single submitter. Criteria: Invitae Variant Classification Sherloc (09022015). Collection method: clinical testing. Allele origin: germline.
Comment: This sequence change replaces valine with phenylalanine at codon 191 of the BRCA1 protein (p.Val191Phe). The valine residue is moderately conserved and there is a small physicochemical difference between valine and phenylalanine. This variant is not present in population databases (ExAC no frequency). This variant has not been reported in the literature in individuals affected with BRCA1-related conditions. Advanced modeling of protein sequence and biophysical properties (such as structural, functional, and spatial information, amino acid conservation, physicochemical variation, residue mobility, and thermodynamic stability) performed at Invitae indicates that this missense variant is not expected to disrupt BRCA1 protein function. In summary, the available evidence is currently insufficient to determine the role of this variant in disease. Therefore, it has been classified as a Variant of Uncertain Significance.

NM_007294.4(BRCA1):c.571G>T (p.Val191Phe)

Gene: BRCA1 (BRCA1 DNA repair associated; minus strand). Cytogenetic location: 17q21.31.
Variant type: single nucleotide variant.
Coding change: c.571G>T on transcript NM_007294.4 (MANE Select); coding-DNA position 571, G replaced by T.
Protein change: p.Val191Phe; replaces valine 191 with phenylalanine.
Molecular consequence: missense variant. On other transcripts: non-coding transcript variant (1).
Genome position (GRCh38, 1-based): chr17:43,097,266, C>A on the plus strand (G>T on the coding strand, the complement: BRCA1 is on the minus strand). VCF-style: chr17-43097266-C-A. GRCh37 (hg19) VCF-style: chr17-41249283-C-A.
Other names: c.358G>T, p.Val120Phe (NM_001407571.1, NM_001407853.1, NM_001407894.1 and 12 more transcripts); c.571G>T, p.Val191Phe (NM_001407581.1, NM_001407582.1, NM_001407583.1 and 59 more transcripts); c.568G>T, p.Val190Phe (NM_001407587.1, NM_001407590.1, NM_001407591.1 and 41 more transcripts); c.562G>T, p.Val188Phe (NM_001407646.1, NM_001407647.1, NM_001408408.1); c.493G>T, p.Val165Phe (NM_001407653.1, NM_001407654.1, NM_001407655.1 and 9 more transcripts); c.490G>T, p.Val164Phe (NM_001407659.1, NM_001407660.1, NM_001407661.1 and 3 more transcripts); c.430G>T, p.Val144Phe (NM_001407692.1, NM_001407694.1, NM_001407695.1 and 43 more transcripts); c.427G>T, p.Val143Phe (NM_001407740.1, NM_001407741.1, NM_001407742.1 and 26 more transcripts); and 4 more; short protein forms V144F, V191F, V164F, V190F, V63F, V64F, V120F, V121F.
Identifiers: ClinVar variation 1429417 (VCV001429417.7), dbSNP rs80357090, ClinGen allele CA10600982.
Genomic context (GRCh38, chr17:43,097,266, plus strand): 5'-AATACCAGCTTCATAGACAAAGGTTCTCTTTGACTCACCTGCAATAAGTTGCCTTATTAA[C>A]GGTATCTTCAGAAGAATCAGATCCTAAAAAATTTCCCCCCAAAAAATAAATCAATAAAAG-3'
Protein context (NP_009225.1, residues 181-201): ELGSDSSEDT[Val191Phe]NKATYCSVGD